The following is an entry in ClinVar:

NM_000443.4(ABCB4):c.2056G>A (p.Asp686Asn)

Gene: ABCB4 (ATP binding cassette subfamily B member 4; minus strand). Cytogenetic location: 7q21.12.
Variant type: single nucleotide variant.
Coding change: c.2056G>A on transcript NM_000443.4 (MANE Select); coding-DNA position 2056, G replaced by A.
Protein change: p.Asp686Asn; replaces aspartic acid 686 with asparagine.
Molecular consequence: missense variant.
Genome position (GRCh38, 1-based): chr7:87,426,758, C>T on the plus strand (G>A on the coding strand, the complement: ABCB4 is on the minus strand). VCF-style: chr7-87426758-C-T. GRCh37 (hg19) VCF-style: chr7-87056074-C-T.
Other names: c.2056G>A, p.Asp686Asn (NM_018849.3, NM_018850.3); short protein forms D686N.
Identifiers: ClinVar variation 4846422 (VCV004846422.1).

ClinVar aggregate classification (germline): Uncertain significance (1 of 4 stars; one submission).

Conditions:
Familial intrahepatic cholestasis. Identifiers: Orphanet 284385, MedGen CN296401, MONDO:0017290.
Low phospholipid associated cholelithiasis (GBD1). Also called: Gallbladder disease 1; Gallstone cholecystitis. Identifiers: Orphanet 69663, MedGen C2609268, MONDO:0010939, OMIM 600803.

gnomAD v4.1: 17 of 1,613,630 alleles (0.0011%); highest among the groups gnomAD compares: African/African-American, 0.0067%; no homozygotes.

Submission:

Genomenon, Inc
Classification: Uncertain significance for Familial intrahepatic cholestasis; Low phospholipid associated cholelithiasis. Last evaluated: 2026-04-14. Review status: criteria provided, single submitter. Criteria: Genomenon Sequence Variant Interpretation Standards - Updated. Collection method: curation. Allele origin: germline. Affected: no.
Comment: ABCB4 p.Asp686Asn (c.2056G>A) is a missense variant that changes the amino acid at residue 686 from Aspartic acid to Asparagine. This variant has been reported in the published literature (PMID:37208429). It is absent or not present at a significant frequency in gnomAD. In silico models predict that this variant is not damaging. In conclusion, we classify ABCB4 p.Asp686Asn (c.2056G>A) as a variant of uncertain significance.

Literature cited by the submitters: PubMed 37208429.